The following is an entry in ClinVar:

ClinVar aggregate classification (germline): Uncertain significance. Review status: criteria provided, multiple submitters, no conflicts (2 of 4 stars). 3 submissions from 3 submitters: Uncertain significance (3). Last evaluated 2024-08-15.

Conditions:
Autoinflammatory syndrome. Identifiers: Orphanet 93665, MedGen C3890737, MONDO:0019751.
Majeed syndrome (MJDS). Also called: LPIN2-Related Majeed Syndrome; CHRONIC RECURRENT MULTIFOCAL OSTEOMYELITIS 1, WITH CONGENITAL DYSERYTHROPOIETIC ANEMIA, WITH OR WITHOUT NEUTROPHILIC DERMATOSIS. Identifiers: Orphanet 77297, MedGen C1864997, MONDO:0012316, OMIM 609628.

Allele frequency attached by ClinVar (database versions not stated): ESP Exome Variant Server 0.00015; TOPMed 0.00018.
gnomAD v4.1: 24 of 1,614,036 alleles (0.0015%); highest among the groups gnomAD compares: African/African-American, 0.029%; no homozygotes.

Submissions (3):

Revvity Omics, Revvity
Classification: Uncertain significance for Majeed syndrome. Last evaluated: 2024-08-15. Review status: criteria provided, single submitter. Criteria: ACMG Guidelines, 2015. Collection method: clinical testing. Allele origin: germline.

Labcorp Genetics (formerly Invitae), Labcorp
Classification: Uncertain significance for Majeed syndrome. Last evaluated: 2023-11-28. Review status: criteria provided, single submitter. Criteria: Invitae Variant Classification Sherloc (09022015). Collection method: clinical testing. Allele origin: germline.
Comment: This sequence change replaces glycine, which is neutral and non-polar, with alanine, which is neutral and non-polar, at codon 481 of the LPIN2 protein (p.Gly481Ala). This variant is present in population databases (rs377661526, gnomAD 0.03%). This variant has not been reported in the literature in individuals affected with LPIN2-related conditions. ClinVar contains an entry for this variant (Variation ID: 964406). Advanced modeling of protein sequence and biophysical properties (such as structural, functional, and spatial information, amino acid conservation, physicochemical variation, residue mobility, and thermodynamic stability) performed at Invitae indicates that this missense variant is not expected to disrupt LPIN2 protein function with a negative predictive value of 80%. In summary, the available evidence is currently insufficient to determine the role of this variant in disease. Therefore, it has been classified as a Variant of Uncertain Significance.

Genome Diagnostics Laboratory, The Hospital for Sick Children
Classification: Uncertain significance for Autoinflammatory syndrome. Last evaluated: 2018-05-01. Review status: criteria provided, single submitter. Criteria: ACMG Guidelines, 2015. Collection method: clinical testing. Allele origin: germline. Affected: yes.

NM_001375808.2(LPIN2):c.1442G>C (p.Gly481Ala)

Gene: LPIN2 (lipin 2; minus strand). Cytogenetic location: 18p11.31.
Variant type: single nucleotide variant.
Coding change: c.1442G>C on transcript NM_001375808.2 (MANE Select); coding-DNA position 1442, G replaced by C.
Protein change: p.Gly481Ala; replaces glycine 481 with alanine.
Molecular consequence: missense variant.
Genome position (GRCh38, 1-based): chr18:2,931,270, C>G on the plus strand (G>C on the coding strand, the complement: LPIN2 is on the minus strand). VCF-style: chr18-2931270-C-G. GRCh37 (hg19) VCF-style: chr18-2931268-C-G.
Other names: c.1442G>C, p.Gly481Ala (NM_001375809.1, NM_014646.2); short protein forms G481A.
Identifiers: ClinVar variation 964406 (VCV000964406.12), dbSNP rs377661526, ClinGen allele CA8873111.